The following is an entry in ClinVar:

NM_001130053.5(EEF1D):c.756C>T (p.Asp252=)

Gene: EEF1D (eukaryotic translation elongation factor 1 delta; minus strand). Cytogenetic location: 8q24.3.
Variant type: single nucleotide variant.
Coding change: c.756C>T on transcript NM_001130053.5 (MANE Select); coding-DNA position 756, C replaced by T.
Protein change: p.Asp252=; no amino-acid change (aspartic acid 252 retained).
Molecular consequence: synonymous variant. On other transcripts: intron variant (8).
Genome position (GRCh38, 1-based): chr8:143,589,326, G>A on the plus strand (C>T on the coding strand, the complement: EEF1D is on the minus strand). VCF-style: chr8-143589326-G-A. GRCh37 (hg19) VCF-style: chr8-144671496-G-A.
Other names: c.756C>T, p.Asp252= (NM_032378.7); c.-4-2477C>T (NM_001317743.4, NM_001289950.4, NM_001130055.4); c.-7-2474C>T (NM_001130056.5, NM_001195203.4, NM_001960.7 and 2 more transcripts).
Identifiers: ClinVar variation 3045543 (VCV003045543.2), dbSNP rs374067636, ClinGen allele CA4913785.

ClinVar aggregate classification (germline): Likely benign (0 of 4 stars; one submission).

Conditions:
EEF1D-related disorder. Also called: EEF1D-related condition.

Allele frequency attached by ClinVar (database versions not stated): TOPMed 0.00002; gnomAD 0.00003; ExAC 0.00013; 1000 Genomes Project 30x 0.00031.
gnomAD v4.1: 96 of 1,584,328 alleles (0.0061%); highest among the groups gnomAD compares: Non-Finnish European, 0.0072%; no homozygotes.

Submission:

PreventionGenetics, part of Exact Sciences
Classification: Likely benign for EEF1D-related condition. Last evaluated: 2019-10-28. Review status: no assertion criteria provided. Collection method: clinical testing. Allele origin: germline.
Comment: This variant is classified as likely benign based on ACMG/AMP sequence variant interpretation guidelines (Richards et al. 2015 PMID: 25741868, with internal and published modifications).